The following is an entry in ClinVar:

ClinVar aggregate classification (germline): Uncertain significance (1 of 4 stars; one submission).

Conditions:
Mucopolysaccharidosis, MPS-III-C (MPS3C). Also called: SANFILIPPO SYNDROME C; MPS III C; Mucopolysaccharidosis type IIIC (Sanfilippo C); mucopolysaccharidosis type 3C; MUCOPOLYSACCHARIDOSIS, TYPE IIIC; MPS IIIC (Sanfilippo Syndrome Type C). Identifiers: Orphanet 581, Orphanet 79271, MedGen C0086649, MONDO:0009657, OMIM 252930.
Retinitis pigmentosa 73 (RP73). Identifiers: Orphanet 791, MedGen C4225287, MONDO:0014687, OMIM 616544.

Submission:

Labcorp Genetics (formerly Invitae), Labcorp
Classification: Uncertain significance for Retinitis pigmentosa 73; Mucopolysaccharidosis, MPS-III-C. Last evaluated: 2025-03-17. Review status: criteria provided, single submitter. Criteria: Invitae Variant Classification Sherloc (09022015). Collection method: clinical testing. Allele origin: germline.
Comment: This sequence change replaces glycine, which is neutral and non-polar, with alanine, which is neutral and non-polar, at codon 274 of the HGSNAT protein (p.Gly274Ala). This variant is not present in population databases (gnomAD no frequency). This variant has not been reported in the literature in individuals affected with HGSNAT-related conditions. An algorithm developed to predict the effect of missense changes on protein structure and function (PolyPhen-2) suggests that this variant is likely to be disruptive. Algorithms developed to predict the effect of sequence changes on RNA splicing suggest that this variant may disrupt the consensus splice site. In summary, the available evidence is currently insufficient to determine the role of this variant in disease. Therefore, it has been classified as a Variant of Uncertain Significance.

NM_152419.3(HGSNAT):c.821G>C (p.Gly274Ala)

Gene: HGSNAT (heparan-alpha-glucosaminide N-acetyltransferase; plus strand). Cytogenetic location: 8p11.21.
Variant type: single nucleotide variant.
Coding change: c.821G>C on transcript NM_152419.3 (MANE Select); coding-DNA position 821, G replaced by C.
Protein change: p.Gly274Ala; replaces glycine 274 with alanine.
Molecular consequence: missense variant. On other transcripts: intron variant (2).
Genome position (GRCh38, 1-based): chr8:43,173,713, G>C. VCF-style: chr8-43173713-G-C. GRCh37 (hg19) VCF-style: chr8-43028856-G-C.
Other names: c.821G>C, p.Gly274Ala (NM_001363227.2); c.-14+1327G>C (NM_001363229.2); c.820+1327G>C (NM_001363228.2); short protein forms G274A.
Identifiers: ClinVar variation 3748211 (VCV003748211.2).